The following is an entry in ClinVar:

ClinVar aggregate classification (germline): Uncertain significance (1 of 4 stars; one submission).

Allele frequency attached by ClinVar (database versions not stated): ExAC 0.00003; TOPMed 0.00003; gnomAD exomes 0.00005; gnomAD 0.00007; ESP Exome Variant Server 0.00008.
gnomAD v4.1: 77 of 1,613,260 alleles (0.0048%); highest among the groups gnomAD compares: Non-Finnish European, 0.0065%; no homozygotes.

Submissions (3):

Labcorp Genetics (formerly Invitae), Labcorp
Classification: Uncertain significance. Last evaluated: 2022-01-05. Review status: criteria provided, single submitter. Criteria: Invitae Variant Classification Sherloc (09022015). Collection method: clinical testing. Allele origin: germline.
Comment: In summary, the available evidence is currently insufficient to determine the role of this variant in disease. Therefore, it has been classified as a Variant of Uncertain Significance. Algorithms developed to predict the effect of sequence changes on RNA splicing suggest that this variant may disrupt the consensus splice site. This variant has not been reported in the literature in individuals affected with MAP3K7-related conditions. This variant is present in population databases (rs372044519, gnomAD 0.009%). This sequence change affects codon 403 of the MAP3K7 mRNA. It is a 'silent' change, meaning that it does not change the encoded amino acid sequence of the MAP3K7 protein. It affects a nucleotide within the consensus splice site.

Dr. Peter K. Rogan Lab, Western University
No classification provided (evidence only). Condition: Clear cell carcinoma of kidney. Review status: no classification provided. Collection method: in vitro. Allele origin: not applicable. Functional consequence: skipped exon, retained intron. Not counted in ClinVar's aggregate classification.

Dr. Peter K. Rogan Lab, Western University
No classification provided (evidence only). Condition: Acute myeloid leukemia. Review status: no classification provided. Collection method: in vitro. Allele origin: not applicable. Functional consequence: retained intron. Not counted in ClinVar's aggregate classification.

NM_145331.3(MAP3K7):c.1209A>G (p.Thr403=)

Gene: MAP3K7 (mitogen-activated protein kinase kinase kinase 7; minus strand). Cytogenetic location: 6q15.
Variant type: single nucleotide variant.
Coding change: c.1209A>G on transcript NM_145331.3 (MANE Select); coding-DNA position 1209, A replaced by G.
Protein change: p.Thr403=; no amino-acid change (threonine 403 retained).
Molecular consequence: synonymous variant.
Genome position (GRCh38, 1-based): chr6:90,547,259, T>C on the plus strand (A>G on the coding strand, the complement: MAP3K7 is on the minus strand). VCF-style: chr6-90547259-T-C. GRCh37 (hg19) VCF-style: chr6-91256978-T-C.
Other names: c.1209A>G, p.Thr403= (NM_003188.4, NM_145332.3, NM_145333.3).
Identifiers: ClinVar variation 2045483 (VCV002045483.5), dbSNP rs372044519, ClinGen allele CA3928443.